The following is an entry in ClinVar:

ClinVar aggregate classification (germline): Uncertain significance (1 of 4 stars; one submission).

gnomAD v4.1: 12 of 1,613,922 alleles (0.00074%); no homozygotes.

Submission:

Ambry Genetics
Classification: Uncertain significance. Last evaluated: 2025-02-09. Review status: criteria provided, single submitter. Criteria: Ambry Variant Classification Scheme 2023. Collection method: clinical testing. Allele origin: germline.
Comment: The p.D1161G variant (also known as c.3482A>G), located in coding exon 28 of the A2ML1 gene, results from an A to G substitution at nucleotide position 3482. The aspartic acid at codon 1161 is replaced by glycine, an amino acid with similar properties. This amino acid position is conserved. In addition, this alteration is predicted to be tolerated by in silico analysis. Based on the available evidence, the clinical significance of this variant remains unclear.

NM_144670.6(A2ML1):c.3482A>G (p.Asp1161Gly)

Gene: A2ML1 (alpha-2-macroglobulin like 1; plus strand). Cytogenetic location: 12p13.31.
Variant type: single nucleotide variant.
Coding change: c.3482A>G on transcript NM_144670.6 (MANE Select); coding-DNA position 3482, A replaced by G.
Protein change: p.Asp1161Gly; replaces aspartic acid 1161 with glycine.
Molecular consequence: missense variant.
Genome position (GRCh38, 1-based): chr12:8,861,277, A>G. VCF-style: chr12-8861277-A-G. GRCh37 (hg19) VCF-style: chr12-9013873-A-G.
Other names: c.2009A>G, p.Asp670Gly (NM_001282424.3); short protein forms D1161G, D670G.
Identifiers: ClinVar variation 3849494 (VCV003849494.1).